The following is an entry in ClinVar:

ClinVar aggregate classification (germline): Pathogenic/Likely pathogenic. Review status: criteria provided, multiple submitters, no conflicts (2 of 4 stars). 2 submissions from 2 submitters: Pathogenic (1); Likely pathogenic (1). Last evaluated 2024-11-12.

Submissions (2):

Revvity Omics, Revvity
Classification: Likely pathogenic. Last evaluated: 2024-11-12. Review status: criteria provided, single submitter. Criteria: ACMG Guidelines, 2015. Collection method: clinical testing. Allele origin: germline.

CeGaT Center for Human Genetics Tuebingen
Classification: Pathogenic. Last evaluated: 2024-01-01. Review status: criteria provided, single submitter. Criteria: CeGaT Center For Human Genetics Tuebingen Variant Classification Criteria Version 2. Collection method: clinical testing. Allele origin: germline. Affected: yes. Observed: 1 variant allele.
Comment: SPTB: PVS1, PM2

NM_001355436.2(SPTB):c.3765-1G>A

Genes: MIR7855 (microRNA 7855; minus strand), SPTB (spectrin beta, erythrocytic; minus strand). Cytogenetic location: 14q23.3.
Variant type: single nucleotide variant.
Coding change: c.3765-1G>A on transcript NM_001355436.2 (MANE Select); the canonical splice acceptor site of the intron before coding-DNA position 3765, G replaced by A.
Molecular consequence: splice acceptor variant. On other transcripts: non-coding transcript variant (1).
Genome position (GRCh38, 1-based): chr14:64,785,628, C>T on the plus strand (G>A on the coding strand, the complement: SPTB is on the minus strand). VCF-style: chr14-64785628-C-T. GRCh37 (hg19) VCF-style: chr14-65252346-C-T.
Other names: c.3765-1G>A (NM_001024858.4, NM_001355437.2).
Identifiers: ClinVar variation 3026899 (VCV003026899.23), dbSNP rs2503120102, ClinGen allele CA390045763.